The following is an entry in ClinVar:

ClinVar aggregate classification (germline): Likely benign. Review status: criteria provided, multiple submitters, no conflicts (2 of 4 stars). 5 submissions from 3 submitters: Likely benign (5). Last evaluated 2026-01-13.

Conditions:
Congenital factor V deficiency. Also called: Hereditary factor V deficiency disease; LABILE FACTOR DEFICIENCY; OWREN PARAHEMOPHILIA; PARAHEMOPHILIA. Identifiers: Orphanet 326, MedGen C0015499, MONDO:0009210, OMIM 227400.
Budd-Chiari syndrome (BDCHS). Also called: Hepatic vein obstruction. Identifiers: Orphanet 131, MedGen C0856761, MONDO:0010947, OMIM 600880, HP:0002639.
Pregnancy loss, recurrent, susceptibility to, 1 (RPRGL1). Also called: EMBRYONIC LOSS, RECURRENT; MISCARRIAGE, RECURRENT; STILLBIRTH, RECURRENT; FETAL LOSS, RECURRENT, SUSCEPTIBILITY TO. Identifiers: MedGen C3280670, MONDO:0013727, OMIM 614389.
Thrombophilia due to activated protein C resistance (THPH2). Also called: THROMBOPHILIA DUE TO DEFICIENCY OF ACTIVATED PROTEIN C COFACTOR; THROMBOPHILIA V; APC resistance; Activated protein C resistance; Hereditary Resistance to Activated Protein C; PCCF DEFICIENCY. Identifiers: MedGen C1861171, MONDO:0008560, OMIM 188055. Disease mechanism: loss of function, gain of function.
Factor V deficiency. Also called: Reduced coagulation factor V activity. Identifiers: Orphanet 326, MedGen C4317320, MONDO:0020586, HP:0003225.
Ischemic stroke. Also called: Ischemic stroke, susceptibility to; CEREBROVASCULAR ACCIDENT. Identifiers: MedGen C0948008, MONDO:1060198, OMIM 601367, HP:0002140.
Thrombophilia due to thrombin defect (THPH1). Also called: Prothrombin Thrombophilia; Thrombosis susceptibility; THROMBOPHILIA DUE TO FACTOR 2 DEFECT; Prothrombin-Related Thrombophilia (Factor II). Identifiers: MedGen C3160733, MONDO:0008559, OMIM 188050. Disease mechanism: gain of function, loss of function.

Allele frequency attached by ClinVar (database versions not stated): gnomAD 0.00001 and 0.00029; gnomAD exomes 0.00030; ExAC 0.00175; 1000 Genomes Project 30x 0.00281; 1000 Genomes Project 0.00319.
gnomAD v4.1: 466 of 1,573,250 alleles (0.03%); highest among the groups gnomAD compares: South Asian, 0.55%; 11 homozygotes.

Submissions (6):

Labcorp Genetics (formerly Invitae), Labcorp
Classification: Likely benign for Congenital factor V deficiency. Last evaluated: 2026-01-13. Review status: criteria provided, single submitter. Criteria: Invitae Variant Classification Sherloc (09022015). Collection method: clinical testing. Allele origin: germline.

Fulgent Genetics
Classification: Likely benign for Thrombophilia due to activated protein C resistance; Congenital factor V deficiency; Budd-Chiari syndrome; Ischemic stroke; Pregnancy loss, recurrent, susceptibility to, 1. Last evaluated: 2022-05-16. Review status: criteria provided, single submitter. Criteria: ACMG Guidelines, 2015. Collection method: clinical testing. Allele origin: unknown.

Illumina Laboratory Services, Illumina
Classification: Likely benign for Congenital factor V deficiency. Last evaluated: 2018-01-12. Review status: criteria provided, single submitter. Criteria: ICSL Variant Classification Criteria 13 December 2019. Collection method: clinical testing. Allele origin: germline.
Comment: This variant was observed in the ICSL laboratory as part of a predisposition screen in an ostensibly healthy population. It had not been previously curated by ICSL or reported in the Human Gene Mutation Database (HGMD: prior to June 1st, 2018), and was therefore a candidate for classification through an automated scoring system. Utilizing variant allele frequency, disease prevalence and penetrance estimates, and inheritance mode, an automated score was calculated to assess if this variant is too frequent to cause the disease. Based on the score and internal cut-off values, a variant classified as likely benign is not then subjected to further curation. The score for this variant resulted in a classification of likely benign for this disease.

Illumina Laboratory Services, Illumina
Classification: Likely benign for Venous thrombosis. Last evaluated: 2018-01-12. Review status: criteria provided, single submitter. Criteria: ICSL Variant Classification Criteria 13 December 2019. Collection method: clinical testing. Allele origin: germline.
Comment: the same text as in the submission from Illumina Laboratory Services, Illumina above.

Illumina Laboratory Services, Illumina
Classification: Likely benign for Budd-Chiari syndrome. Last evaluated: 2018-01-12. Review status: criteria provided, single submitter. Criteria: ICSL Variant Classification Criteria 13 December 2019. Collection method: clinical testing. Allele origin: germline.
Comment: the same text as in the submission from Illumina Laboratory Services, Illumina above.

Dr. Peter K. Rogan Lab, Western University
No classification provided (evidence only). Condition: Gastric cancer. Review status: no classification provided. Collection method: in vitro. Allele origin: not applicable. Functional consequence: retained intron. Not counted in ClinVar's aggregate classification.

NM_000130.5(F5):c.3952C>A (p.Gln1318Lys)

Gene: F5 (coagulation factor V; minus strand). Cytogenetic location: 1q24.2.
Variant type: single nucleotide variant.
Coding change: c.3952C>A on transcript NM_000130.5 (MANE Select); coding-DNA position 3952, C replaced by A.
Protein change: p.Gln1318Lys; replaces glutamine 1318 with lysine.
Molecular consequence: missense variant.
Genome position (GRCh38, 1-based): chr1:169,541,138, G>T on the plus strand (C>A on the coding strand, the complement: F5 is on the minus strand). VCF-style: chr1-169541138-G-T. GRCh37 (hg19) VCF-style: chr1-169510376-G-T.
Other names: short protein forms Q1318K.
Identifiers: ClinVar variation 875953 (VCV000875953.9), dbSNP rs538359973, ClinGen allele CA1233787.